The following is an entry in ClinVar:

NM_005045.4(RELN):c.4936+240dup

Gene: RELN (reelin; minus strand). Cytogenetic location: 7q22.1.
Variant type: Duplication.
Coding change: c.4936+240dup on transcript NM_005045.4 (MANE Select); 240 bases into the intron after coding-DNA position 4936, one base duplicated (A; older notation c.4936+240dupA).
Molecular consequence: intron variant.
Genome position (GRCh38, 1-based): chr7:103,565,978, T duplicated on the plus strand (A on the coding strand, the reverse complement: RELN is on the minus strand); the first of 7 consecutive T bases (chr7:103,565,978-103,565,984); duplicating any one gives the same sequence. VCF-style (leftmost placement, unchanged base first): chr7-103565977-A-AT. GRCh37 (hg19) VCF-style: chr7-103206424-A-AT.
Other names: c.4936+240dup (NM_173054.3).
Identifiers: ClinVar variation 669130 (VCV000669130.1), dbSNP rs5886261, ClinGen allele CA163913965.

ClinVar aggregate classification (germline): Benign (1 of 4 stars; one submission).

Submission:

GeneDx
Classification: Benign. Last evaluated: 2018-06-19. Review status: criteria provided, single submitter. Criteria: GeneDx Variant Classification (06012015). Collection method: clinical testing. Allele origin: germline. Affected: yes.
Comment: This variant is considered likely benign or benign based on one or more of the following criteria: it is a conservative change, it occurs at a poorly conserved position in the protein, it is predicted to be benign by multiple in silico algorithms, and/or has population frequency not consistent with disease.